The following is an entry in ClinVar:

ClinVar aggregate classification (germline): Uncertain significance (1 of 4 stars; one submission).

Submission:

Labcorp Genetics (formerly Invitae), Labcorp
Classification: Uncertain significance. Last evaluated: 2025-03-06. Review status: criteria provided, single submitter. Criteria: Invitae Variant Classification Sherloc (09022015). Collection method: clinical testing. Allele origin: germline.
Comment: This sequence change replaces isoleucine, which is neutral and non-polar, with leucine, which is neutral and non-polar, at codon 556 of the HIVEP2 protein (p.Ile556Leu). This variant is not present in population databases (gnomAD no frequency). This variant has not been reported in the literature in individuals affected with HIVEP2-related conditions. Invitae Evidence Modeling of protein sequence and biophysical properties (such as structural, functional, and spatial information, amino acid conservation, physicochemical variation, residue mobility, and thermodynamic stability) indicates that this missense variant is not expected to disrupt HIVEP2 protein function with a negative predictive value of 80%. In summary, the available evidence is currently insufficient to determine the role of this variant in disease. Therefore, it has been classified as a Variant of Uncertain Significance.

NM_006734.4(HIVEP2):c.1666A>C (p.Ile556Leu)

Gene: HIVEP2 (HIVEP zinc finger 2; minus strand). Cytogenetic location: 6q24.2.
Variant type: single nucleotide variant.
Coding change: c.1666A>C on transcript NM_006734.4 (MANE Select); coding-DNA position 1666, A replaced by C.
Protein change: p.Ile556Leu; replaces isoleucine 556 with leucine.
Molecular consequence: missense variant.
Genome position (GRCh38, 1-based): chr6:142,773,073, T>G on the plus strand (A>C on the coding strand, the complement: HIVEP2 is on the minus strand). VCF-style: chr6-142773073-T-G. GRCh37 (hg19) VCF-style: chr6-143094210-T-G.
Other names: c.1666A>C, p.Ile556Leu (NM_001438449.1, NM_001438450.1, NM_001438451.1); short protein forms I556L.
Identifiers: ClinVar variation 4802706 (VCV004802706.1).